The following is an entry in ClinVar:

NC_000015.9:g.(89822006_89824400)_(89828450_89833443)del

Gene: FANCI (FA complementation group I; plus strand). Cytogenetic location: 15q26.1.
Variant type: Deletion.
Identifiers: ClinVar variation 4687516 (VCV004687516.1).

ClinVar aggregate classification (germline): Pathogenic (1 of 4 stars; one submission).

Conditions:
Fanconi anemia (FA). Also called: Fanconi's anemia. Identifiers: Orphanet 84, MedGen C0015625, MeSH D005199, MONDO:0019391.

Submission:

Women's Health and Genetics/Laboratory Corporation of America, LabCorp
Classification: Pathogenic for Fanconi anemia. Last evaluated: 2025-10-07. Review status: criteria provided, single submitter. Criteria: LabCorp Variant Classification Summary - May 2015. Collection method: clinical testing. Allele origin: germline.
Comment: Variant summary: The variant involves the deletion of exons 15-18 in the FANCI gene. A presumed nomenclature of c.(1381+1_1382-1)_(1821+1_1822-1)del has been designated for the purposes of this classification. The variant was absent in 21694 control chromosomes. This Copy Number Variant (CNV) is expected to alter the reading frame and predicted to result in a truncation or absence of the encoded protein due to nonsense mediated decay (NMD). Loss-of-function variants in this gene are known to be pathogenic. To our knowledge, no occurrence of c.(1381+1_1382-1)_(1821+1_1822-1)del in individuals affected with FANCI-related conditions and no experimental evidence demonstrating its impact on protein function have been reported. ClinVar contains an entry for this variant (Variation ID: 3243699). Based on the evidence outlined above, the variant was classified as pathogenic.